The following is an entry in ClinVar:

NM_006420.3(ARFGEF2):c.1888G>A (p.Val630Ile)

Gene: ARFGEF2 (ARF guanine nucleotide exchange factor 2; plus strand). Cytogenetic location: 20q13.13.
Variant type: single nucleotide variant.
Coding change: c.1888G>A on transcript NM_006420.3 (MANE Select); coding-DNA position 1888, G replaced by A.
Protein change: p.Val630Ile; replaces valine 630 with isoleucine.
Molecular consequence: missense variant.
Genome position (GRCh38, 1-based): chr20:48,976,129, G>A. VCF-style: chr20-48976129-G-A. GRCh37 (hg19) VCF-style: chr20-47592666-G-A.
Other names: p.Val630Ile; short protein forms V630I.
Identifiers: ClinVar variation 210228 (VCV000210228.32), dbSNP rs146772848, ClinGen allele CA207661.
Genomic context (GRCh38, chr20:48,976,129, plus strand): 5'-GCAAGACGGTGTAGTGTGACGTCCATGGAGTCCACAGTGTCCTCGGGGACCCAGACAACT[G>A]TTCAGGATGACCCTGAGCAATTTGAGGTCATCAAGCAACAAAAAGAAATCATTGAACACG-3'
Protein context (NP_006411.2, residues 620-640): STVSSGTQTT[Val630Ile]QDDPEQFEVI

ClinVar aggregate classification (germline): Conflicting classifications of pathogenicity. Review status: criteria provided, conflicting classifications (1 of 4 stars). 9 submissions from 9 submitters: Uncertain significance (4); Likely benign (4). 1 of the submissions does not count toward it. Last evaluated 2025-11-20.

Conditions:
ARFGEF2-related disorder. Also called: ARFGEF2-related condition.
Inborn genetic diseases. Identifiers: MedGen C0950123, MeSH D030342.
Periventricular heterotopia with microcephaly, autosomal recessive (ARPHM). Also called: PERIVENTRICULAR NODULAR HETEROTOPIA 2; Periventricular heterotopia with microcephaly. Identifiers: Orphanet 2149, MedGen C1842563, MONDO:0011966, OMIM 608097.

Allele frequency attached by ClinVar (database versions not stated): gnomAD exomes 0.00029; ExAC 0.00041; 1000 Genomes Project 0.00080; gnomAD 0.00101 and 0.00107; TOPMed 0.00104; 1000 Genomes Project 30x 0.00109; ESP Exome Variant Server 0.00177.
gnomAD v4.1: 381 of 1,613,934 alleles (0.024%); highest among the groups gnomAD compares: African/African-American, 0.37%; 1 homozygote.

Submissions (9):

Ambry Genetics
Classification: Likely benign for Inborn genetic diseases. Last evaluated: 2025-11-20. Review status: criteria provided, single submitter. Criteria: Ambry Variant Classification Scheme 2023. Collection method: clinical testing. Allele origin: germline.

Labcorp Genetics (formerly Invitae), Labcorp
Classification: Likely benign. Last evaluated: 2025-06-03. Review status: criteria provided, single submitter. Criteria: Invitae Variant Classification Sherloc (09022015). Collection method: clinical testing. Allele origin: germline.

Blueprint Genetics
Classification: Likely benign. Last evaluated: 2024-10-16. Review status: criteria provided, single submitter. Criteria: ACMG Guidelines, 2015. Collection method: clinical testing. Allele origin: germline.

Mayo Clinic Laboratories, Mayo Clinic
Classification: Uncertain significance. Last evaluated: 2021-05-04. Review status: criteria provided, single submitter. Criteria: ACMG Guidelines, 2015. Collection method: clinical testing. Allele origin: germline.

GeneDx
Classification: Likely benign. Last evaluated: 2020-09-04. Review status: criteria provided, single submitter. Criteria: GeneDx Variant Classification Process June 2021. Collection method: clinical testing. Allele origin: germline. Affected: yes.

Illumina Laboratory Services, Illumina
Classification: Uncertain significance for Periventricular heterotopia with microcephaly, autosomal recessive. Last evaluated: 2018-01-12. Review status: criteria provided, single submitter. Criteria: ICSL Variant Classification Criteria 13 December 2019. Collection method: clinical testing. Allele origin: germline.

Eurofins Ntd Llc (ga)
Classification: Uncertain significance. Last evaluated: 2016-11-15. Review status: criteria provided, single submitter. Criteria: EGL Classification Definitions 2015. Collection method: clinical testing. Allele origin: germline. Observed: 1 variant allele, 1 heterozygote.

Genetic Services Laboratory, University of Chicago
Classification: Uncertain significance. Last evaluated: 2014-07-03. Review status: criteria provided, single submitter. Criteria: ACMG Guidelines, 2015. Collection method: clinical testing. Allele origin: germline.

PreventionGenetics, part of Exact Sciences
Classification: Likely benign for ARFGEF2-related condition. Last evaluated: 2022-02-23. Review status: no assertion criteria provided. Collection method: clinical testing. Allele origin: germline. Not counted in ClinVar's aggregate classification.
Comment: This variant is classified as likely benign based on ACMG/AMP sequence variant interpretation guidelines (Richards et al. 2015 PMID: 25741868, with internal and published modifications).